The following is an entry in ClinVar:

ClinVar aggregate classification (germline): Uncertain significance/Uncertain risk allele. Review status: criteria provided, multiple submitters, no conflicts (2 of 4 stars). 2 submissions from 2 submitters: Uncertain significance (1); Uncertain risk allele (1). Last evaluated 2023-10-09.

Conditions:
Wolfram syndrome 1 (WFS1). Identifiers: Orphanet 3463, MedGen C4551693, MONDO:0009101, OMIM 222300.

Allele frequency attached by ClinVar (database versions not stated): gnomAD 0.00001; gnomAD exomes 0.00001 and 0.00002; ExAC 0.00002.

Submissions (2):

Labcorp Genetics (formerly Invitae), Labcorp
Classification: Uncertain significance. Last evaluated: 2023-10-09. Review status: criteria provided, single submitter. Criteria: Invitae Variant Classification Sherloc (09022015). Collection method: clinical testing. Allele origin: germline.
Comment: This sequence change replaces alanine, which is neutral and non-polar, with valine, which is neutral and non-polar, at codon 559 of the WFS1 protein (p.Ala559Val). This variant is present in population databases (rs773343292, gnomAD 0.009%). This variant has not been reported in the literature in individuals affected with WFS1-related conditions. ClinVar contains an entry for this variant (Variation ID: 1521787). Advanced modeling of protein sequence and biophysical properties (such as structural, functional, and spatial information, amino acid conservation, physicochemical variation, residue mobility, and thermodynamic stability) performed at Invitae indicates that this missense variant is not expected to disrupt WFS1 protein function. In summary, the available evidence is currently insufficient to determine the role of this variant in disease. Therefore, it has been classified as a Variant of Uncertain Significance.

Clinical Genomics, Uppaluri K&H Personalized Medicine Clinic
Classification: Uncertain risk allele for Wolfram syndrome 1. Review status: criteria provided, single submitter. Criteria: K & H Uppaluri Personalized Medicine Clinic Variant Classification & Assertion Criteria_Updated V.1. Collection method: research. Allele origin: unknown. Inheritance: Autosomal recessive inheritance.
Comment: Potent mutations in WFS1 gene are associated with Wolfram's syndrome, an autosomal recessive condition, which cause diabetes mellitus, diabetes insipidus, deafness and optic atrophy. However no sufficient evidence is found to ascertain the role of this particular variant rs773343292 in Wolfram's syndrome yet.

Literature cited by the submitters: PubMed 20738327 (cited by Clinical Genomics, Uppaluri K&H Personalized Medicine Clinic); PubMed 33879153 (cited by Clinical Genomics, Uppaluri K&H Personalized Medicine Clinic); PubMed 12955714 (cited by Clinical Genomics, Uppaluri K&H Personalized Medicine Clinic); PubMed 18060660 (cited by Clinical Genomics, Uppaluri K&H Personalized Medicine Clinic); PubMed 20301750 (cited by Clinical Genomics, Uppaluri K&H Personalized Medicine Clinic); PubMed 17603484 (cited by Clinical Genomics, Uppaluri K&H Personalized Medicine Clinic).

NM_006005.3(WFS1):c.1676C>T (p.Ala559Val)

Gene: WFS1 (wolframin ER transmembrane glycoprotein; plus strand). Cytogenetic location: 4p16.1.
Variant type: single nucleotide variant.
Coding change: c.1676C>T on transcript NM_006005.3 (MANE Select); coding-DNA position 1676, C replaced by T.
Protein change: p.Ala559Val; replaces alanine 559 with valine.
Molecular consequence: missense variant.
Genome position (GRCh38, 1-based): chr4:6,301,471, C>T. VCF-style: chr4-6301471-C-T. GRCh37 (hg19) VCF-style: chr4-6303198-C-T.
Other names: c.1676C>T, p.Ala559Val (NM_001145853.1); short protein forms A559V.
Identifiers: ClinVar variation 1521787 (VCV001521787.8), dbSNP rs773343292, ClinGen allele CA2839441.